The following is an entry in ClinVar:

ClinVar aggregate classification (germline): Pathogenic (1 of 4 stars; one submission).

Conditions:
VPS13A-related neurodegenerative disease. Also called: ACANTHOCYTOSIS WITH NEUROLOGIC DISORDER; LEVINE-CRITCHLEY SYNDROME; Choreoacanthocytosis; Chorea-acanthocytosis; Choreaacanthocytosis; VPS13A Disease. Identifiers: Orphanet 2388, MedGen C0393576, MONDO:0008695, OMIM 200150.

Submission:

Myriad Genetics, Inc.
Classification: Pathogenic for VPS13A-related neurodegenerative disease. Last evaluated: 2024-02-22. Review status: criteria provided, single submitter. Criteria: Myriad Autosomal Dominant, Autosomal Recessive and X-Linked Classification Criteria (2023). Collection method: clinical testing. Allele origin: unknown.
Comment: NM_033305.2(VPS13A):c.3493_3496delCTAT(L1165Ifs*7) is expected to be pathogenic in the context of VPS13A disease. This variant is predicted to lead to an abnormal or absent protein product due to the creation of a premature termination codon in VPS13A, a gene where loss-of-function variants are known to be pathogenic. Please note: this variant was assessed in the context of healthy population screening.

NM_033305.3(VPS13A):c.3493_3496del (p.Leu1165fs)

Gene: VPS13A (vacuolar protein sorting 13 homolog A; plus strand). Cytogenetic location: 9q21.2.
Variant type: Deletion.
Coding change: c.3493_3496del on transcript NM_033305.3 (MANE Select); coding-DNA positions 3493 to 3496, 4 bases deleted (CTAT; older notation c.3493_3496delCTAT).
Protein change: p.Leu1165fs; shifts the reading frame from leucine 1165.
Molecular consequence: frameshift variant.
Genome position (GRCh38, 1-based): chr9:77,293,494-77,293,497, CTAT deleted; deleting any 4 consecutive bases within chr9:77,293,493-77,293,497 gives the same sequence; the c. name uses the placement nearest the transcript's 3' end. VCF-style (leftmost placement, unchanged base first): chr9-77293492-TTCTA-T. GRCh37 (hg19) VCF-style: chr9-79908408-TTCTA-T.
Other names: c.3376_3379del, p.Leu1126fs (NM_001018037.2); c.3493_3496del, p.Leu1165fs (NM_001018038.3, NM_015186.4); short protein forms L1126fs, L1165fs.
Identifiers: ClinVar variation 5012770 (VCV005012770.1).
Genomic context (GRCh38, chr9:77,293,492, plus strand): 5'-TGGTTGACATTCAGGTTAATTTAATAGTTGGTTGCATTGAAGTAGTTTTTGTCACGAAAT[TTCTA>T]TATTCTATATTGGTAAGTATTTTATTAAATTATTATTTATTTTATACTAATTGGAAATTG-3'